The following is an entry in ClinVar:

NM_005138.3(SCO2):c.334C>A (p.Arg112=)

Genes: NCAPH2 (non-SMC condensin II complex subunit H2; plus strand), SCO2 (synthesis of cytochrome C oxidase 2; minus strand). Cytogenetic location: 22q13.33.
Variant type: single nucleotide variant.
Coding change: c.334C>A on transcript NM_005138.3 (MANE Select); coding-DNA position 334, C replaced by A.
Protein change: p.Arg112=; no amino-acid change (arginine 112 retained).
Molecular consequence: synonymous variant. On other transcripts: 3 prime UTR variant (2).
Genome position (GRCh38, 1-based): chr22:50,524,078, G>T on the plus strand (C>A on the coding strand, the complement: SCO2 is on the minus strand). VCF-style: chr22-50524078-G-T. GRCh37 (hg19) VCF-style: chr22-50962507-G-T.
Other names: c.*703G>T (NM_001185011.2, NM_152299.4); c.334C>A, p.Arg112= (NM_001169109.2, NM_001169110.1, NM_001169111.2).
Identifiers: ClinVar variation 1649299 (VCV001649299.32), dbSNP rs370130010, ClinGen allele CA515387187.

ClinVar aggregate classification (germline): Likely benign. Review status: criteria provided, multiple submitters, no conflicts (2 of 4 stars). 2 submissions from 2 submitters: Likely benign (2). Last evaluated 2026-01-13.

gnomAD v4.1: 14 of 1,613,104 alleles (0.00087%); highest among the groups gnomAD compares: Non-Finnish European, 0.001%; no homozygotes.

Submissions (2):

Labcorp Genetics (formerly Invitae), Labcorp
Classification: Likely benign. Last evaluated: 2026-01-13. Review status: criteria provided, single submitter. Criteria: Invitae Variant Classification Sherloc (09022015). Collection method: clinical testing. Allele origin: germline.

CeGaT Center for Human Genetics Tuebingen
Classification: Likely benign. Last evaluated: 2023-03-01. Review status: criteria provided, single submitter. Criteria: CeGaT Center For Human Genetics Tuebingen Variant Classification Criteria Version 2. Collection method: clinical testing. Allele origin: germline. Affected: yes. Observed: 1 variant allele.
Comment: SCO2: BP4, BP7